The following is an entry in ClinVar:

NM_002519.3(NPAT):c.709G>C (p.Ala237Pro)

Gene: NPAT (nuclear protein, coactivator of histone transcription; minus strand). Cytogenetic location: 11q22.3.
Variant type: single nucleotide variant.
Coding change: c.709G>C on transcript NM_002519.3 (MANE Select); coding-DNA position 709, G replaced by C.
Protein change: p.Ala237Pro; replaces alanine 237 with proline.
Molecular consequence: missense variant.
Genome position (GRCh38, 1-based): chr11:108,186,499, C>G on the plus strand (G>C on the coding strand, the complement: NPAT is on the minus strand). VCF-style: chr11-108186499-C-G. GRCh37 (hg19) VCF-style: chr11-108057226-C-G.
Other names: c.709G>C, p.Ala237Pro (NM_001321307.1); short protein forms A237P.
Identifiers: ClinVar variation 3222641 (VCV003222641.1), dbSNP rs115251509, ClinGen allele CA382522189.

ClinVar aggregate classification (germline): Uncertain significance (1 of 4 stars; one submission).

Submission:

Ambry Genetics
Classification: Uncertain significance. Last evaluated: 2023-10-13. Review status: criteria provided, single submitter. Criteria: Ambry Variant Classification Scheme 2023. Collection method: clinical testing. Allele origin: germline.
Comment: The p.A237P variant (also known as c.709G>C), located in coding exon 8 of the NPAT gene, results from a G to C substitution at nucleotide position 709. The alanine at codon 237 is replaced by proline, an amino acid with highly similar properties. This amino acid position is conserved. In addition, this alteration is predicted to be tolerated by in silico analysis. Since supporting evidence is limited at this time, the clinical significance of this alteration remains unclear.